The following is an entry in ClinVar:

ClinVar aggregate classification (germline): Benign. Review status: criteria provided, single submitter (1 of 4 stars). 2 submissions from 2 submitters: Benign (1). 1 of the submissions does not count toward it. Last evaluated 2026-01-18.

Conditions:
PIK3R2-related disorder. Also called: PIK3R2-related condition.
Megalencephaly-polymicrogyria-postaxial polydactyly-hydrocephalus syndrome. Also called: MPPH Syndrome; MEG-PMG-MEGACC SYNDROME. Identifiers: Orphanet 83473, MedGen C1863924, MONDO:0019375.

Allele frequency attached by ClinVar (database versions not stated): TOPMed 0.00014; ExAC 0.00047; 1000 Genomes Project 0.00060; 1000 Genomes Project 30x 0.00062.
gnomAD v4.1: 213 of 1,549,024 alleles (0.014%); highest among the groups gnomAD compares: Admixed American, 0.2%; no homozygotes.

Submissions (2):

Labcorp Genetics (formerly Invitae), Labcorp
Classification: Benign for Megalencephaly-polymicrogyria-postaxial polydactyly-hydrocephalus syndrome. Last evaluated: 2026-01-18. Review status: criteria provided, single submitter. Criteria: Invitae Variant Classification Sherloc (09022015). Collection method: clinical testing. Allele origin: germline.

PreventionGenetics, part of Exact Sciences
Classification: Likely benign for PIK3R2-related condition. Last evaluated: 2020-01-27. Review status: no assertion criteria provided. Collection method: clinical testing. Allele origin: germline. Not counted in ClinVar's aggregate classification.
Comment: This variant is classified as likely benign based on ACMG/AMP sequence variant interpretation guidelines (Richards et al. 2015 PMID: 25741868, with internal and published modifications).

NM_005027.4(PIK3R2):c.1845G>A (p.Pro615=)

Gene: PIK3R2 (phosphoinositide-3-kinase regulatory subunit 2; plus strand). Cytogenetic location: 19p13.11.
Variant type: single nucleotide variant.
Coding change: c.1845G>A on transcript NM_005027.4 (MANE Select); coding-DNA position 1845, G replaced by A.
Protein change: p.Pro615=; no amino-acid change (proline 615 retained).
Molecular consequence: synonymous variant. On other transcripts: non-coding transcript variant (2).
Genome position (GRCh38, 1-based): chr19:18,168,762, G>A. VCF-style: chr19-18168762-G-A. GRCh37 (hg19) VCF-style: chr19-18279572-G-A.
Identifiers: ClinVar variation 772601 (VCV000772601.10), dbSNP rs201568661, ClinGen allele CA9307172.